The following is an entry in ClinVar:

ClinVar aggregate classification (germline): Uncertain significance. Review status: criteria provided, multiple submitters, no conflicts (2 of 4 stars). 8 submissions from 8 submitters: Uncertain significance (6). 2 of the submissions do not count toward it. Last evaluated 2024-11-26.

Conditions:
Peroxisome biogenesis disorder 6A (Zellweger). Also called: Peroxisome biogenesis disorder 6A. Identifiers: Orphanet 912, MedGen C3553947, MONDO:0013936, OMIM 614870.
Peroxisome biogenesis disorder 6B (PBD6B). Identifiers: Orphanet 44, MedGen C3553948, MONDO:0013937, OMIM 614871.
Peroxisome biogenesis disorder, complementation group 7 (CG7). Also called: Peroxisome biogenesis disorder, complementation group B. Identifiers: MedGen C1864399.
Zellweger spectrum disorders (ZS). Also called: Zellweger syndrome; Zellweger Spectrum Disorder; Zellweger Spectrum; Zellweger Spectrum Disorder (ZSD). Identifiers: Orphanet 912, MedGen C0043459, MONDO:0019609.
Inborn genetic diseases. Identifiers: MedGen C0950123, MeSH D030342.

Allele frequency attached by ClinVar (database versions not stated): ExAC 0.00007; ESP Exome Variant Server 0.00008; gnomAD exomes 0.00010 and 0.00012; TOPMed 0.00011; gnomAD 0.00013 and 0.00014.
gnomAD v4.1: 202 of 1,613,852 alleles (0.013%); highest among the groups gnomAD compares: Middle Eastern, 0.082%; no homozygotes.

Submissions (8):

Blueprint Genetics
Classification: Uncertain significance. Last evaluated: 2024-11-26. Review status: criteria provided, single submitter. Criteria: ACMG Guidelines, 2015. Collection method: clinical testing. Allele origin: germline.

Mayo Clinic Laboratories, Mayo Clinic
Classification: Uncertain significance. Last evaluated: 2022-12-06. Review status: criteria provided, single submitter. Criteria: ACMG Guidelines, 2015. Collection method: clinical testing. Allele origin: germline. Observed: 2 variant alleles.
Comment: PP3, PM2

Labcorp Genetics (formerly Invitae), Labcorp
Classification: Uncertain significance for Peroxisome biogenesis disorder, complementation group 7. Last evaluated: 2022-10-24. Review status: criteria provided, single submitter. Criteria: Invitae Variant Classification Sherloc (09022015). Collection method: clinical testing. Allele origin: germline.
Comment: This sequence change replaces arginine, which is basic and polar, with histidine, which is basic and polar, at codon 92 of the PEX10 protein (p.Arg92His). This variant is present in population databases (rs375649043, gnomAD 0.02%). This variant has not been reported in the literature in individuals affected with PEX10-related conditions. ClinVar contains an entry for this variant (Variation ID: 296283). Algorithms developed to predict the effect of missense changes on protein structure and function are either unavailable or do not agree on the potential impact of this missense change (SIFT: "Deleterious"; PolyPhen-2: "Probably Damaging"; Align-GVGD: "Class C0"). In summary, the available evidence is currently insufficient to determine the role of this variant in disease. Therefore, it has been classified as a Variant of Uncertain Significance.

Ambry Genetics
Classification: Uncertain significance for Inborn genetic diseases. Last evaluated: 2022-01-27. Review status: criteria provided, single submitter. Criteria: Ambry Variant Classification Scheme 2023. Collection method: clinical testing. Allele origin: germline.

Fulgent Genetics
Classification: Uncertain significance for Peroxisome biogenesis disorder 6A (Zellweger); Peroxisome biogenesis disorder 6B. Last evaluated: 2018-10-31. Review status: criteria provided, single submitter. Criteria: ACMG Guidelines, 2015. Collection method: clinical testing. Allele origin: unknown.

Illumina Laboratory Services, Illumina
Classification: Uncertain significance for Peroxisome biogenesis disorder 6A (Zellweger). Last evaluated: 2018-01-12. Review status: criteria provided, single submitter. Criteria: ICSL Variant Classification Criteria 13 December 2019. Collection method: clinical testing. Allele origin: germline.

Natera, Inc.
Classification: Uncertain significance for Zellweger syndrome. Last evaluated: 2020-02-28. Review status: no assertion criteria provided. Collection method: clinical testing. Allele origin: germline. Not counted in ClinVar's aggregate classification.

Counsyl
Classification: Uncertain significance for Peroxisome biogenesis disorder 6A (Zellweger); Peroxisome biogenesis disorder 6B. Last evaluated: 2017-10-03. Review status: no assertion criteria provided. Collection method: clinical testing. Allele origin: unknown. Not counted in ClinVar's aggregate classification.

NM_002617.4(PEX10):c.275G>A (p.Arg92His)

Gene: PEX10 (peroxisomal biogenesis factor 10; minus strand). Cytogenetic location: 1p36.32.
Variant type: single nucleotide variant.
Coding change: c.275G>A on transcript NM_002617.4 (MANE Select); coding-DNA position 275, G replaced by A.
Protein change: p.Arg92His; replaces arginine 92 with histidine.
Molecular consequence: missense variant. On other transcripts: 5 prime UTR variant (2), non-coding transcript variant (1).
Genome position (GRCh38, 1-based): chr1:2,408,777, C>T on the plus strand (G>A on the coding strand, the complement: PEX10 is on the minus strand). VCF-style: chr1-2408777-C-T. GRCh37 (hg19) VCF-style: chr1-2340216-C-T.
Other names: p.Arg92His; c.275G>A, p.Arg92His (NM_001374425.1, NM_153818.2); c.-158G>A (NM_001374426.1, NM_001374427.1); short protein forms R92H.
Identifiers: ClinVar variation 296283 (VCV000296283.13), dbSNP rs375649043, ClinGen allele CA538227.
Genomic context (GRCh38, chr1:2,408,777, plus strand): 5'-GGGAGCAGGGCCTTGTCCAGCAGGTAGGGCAGGACGGCATGCAGTGTCACCAGCACGCCA[C>T]GGCGCAGCGAGGAGGGCACATGTATCCGCGATGGGTCCACCTGGATGATGCTGACGTACT-3'
Protein context (NP_002608.1, residues 82-102): SRIHVPSSLR[Arg92His]GVLVTLHAVL